The following is an entry in ClinVar:

NM_032119.4(ADGRV1):c.12637G>A (p.Glu4213Lys)

Gene: ADGRV1 (adhesion G protein-coupled receptor V1; plus strand). Cytogenetic location: 5q14.3.
Variant type: single nucleotide variant.
Coding change: c.12637G>A on transcript NM_032119.4 (MANE Select); coding-DNA position 12637, G replaced by A.
Protein change: p.Glu4213Lys; replaces glutamic acid 4213 with lysine.
Molecular consequence: missense variant. On other transcripts: non-coding transcript variant (1).
Genome position (GRCh38, 1-based): chr5:90,778,014, G>A. VCF-style: chr5-90778014-G-A. GRCh37 (hg19) VCF-style: chr5-90073831-G-A.
Other names: short protein forms E4213K.
Identifiers: ClinVar variation 46263 (VCV000046263.5), dbSNP rs397517421, ClinGen allele CA138017.

ClinVar aggregate classification (germline): Uncertain significance. Review status: criteria provided, multiple submitters, no conflicts (2 of 4 stars). 2 submissions from 2 submitters: Uncertain significance (2). Last evaluated 2026-07-02.

Conditions:
ADGRV1-related disorder. Also called: ADGRV1-related disorders; ADGRV1-related condition.

Allele frequency attached by ClinVar (database versions not stated): gnomAD exomes below 0.00001; gnomAD 0.00001; TOPMed 0.00001.
gnomAD v4.1: 26 of 1,585,652 alleles (0.0016%); highest among the groups gnomAD compares: Non-Finnish European, 0.0021%; no homozygotes.

Submissions (2):

PreventionGenetics, part of Exact Sciences
Classification: Uncertain significance for ADGRV1-related condition. Last evaluated: 2026-07-02. Review status: criteria provided, single submitter. Criteria: ACMG Guidelines, 2015. Collection method: clinical testing. Allele origin: germline.
Comment: The ADGRV1 c.12637G>A variant is predicted to result in the amino acid substitution p.Glu4213Lys. To our knowledge, this variant has not been reported in the literature. This variant is reported in 0.0012% of alleles in individuals of European (Non-Finnish) descent in gnomAD. At this time, the clinical significance of this variant is uncertain due to the absence of conclusive functional and genetic evidence.

Laboratory for Molecular Medicine, Mass General Brigham Personalized Medicine
Classification: Uncertain significance. Last evaluated: 2013-02-23. Review status: criteria provided, single submitter. Criteria: LMM Criteria. Collection method: clinical testing. Allele origin: germline. Observed: 1 variant allele.
Comment: Variant classified as Uncertain Significance - Favor Benign. The Glu4213Lys vari ant in GPR98 has not been reported in the literature nor previously identified b y our laboratory. Computational analyses (biochemical amino acid properties, con servation, AlignGVGD, PolyPhen2, and SIFT) suggest that the Glu4213Lys variant m ay not impact the protein, though this information is not predictive enough to r ule out pathogenicity. In summary, the clinical significance of this variant can not be determined with certainty; however based upon the arguments described abo ve, we would lean towards a more likely benign role.